The following is an entry in ClinVar:

ClinVar aggregate classification (germline): Uncertain significance (1 of 4 stars; one submission).

Conditions:
Achondrogenesis, type IA (ACG1A). Identifiers: Orphanet 932, Orphanet 93299, MedGen C0265273, MONDO:0008701, OMIM 200600.

gnomAD v4.1: 2 of 1,613,382 alleles (0.00012%); highest among the groups gnomAD compares: Admixed American, 0.0017%; no homozygotes.

Submission:

Labcorp Genetics (formerly Invitae), Labcorp
Classification: Uncertain significance for Achondrogenesis, type IA. Last evaluated: 2024-07-14. Review status: criteria provided, single submitter. Criteria: Invitae Variant Classification Sherloc (09022015). Collection method: clinical testing. Allele origin: germline.
Comment: This sequence change replaces glutamic acid, which is acidic and polar, with glycine, which is neutral and non-polar, at codon 79 of the TRIP11 protein (p.Glu79Gly). The frequency data for this variant in the population databases is considered unreliable, as metrics indicate poor data quality at this position in the gnomAD database. This variant has not been reported in the literature in individuals affected with TRIP11-related conditions. Advanced modeling of protein sequence and biophysical properties (such as structural, functional, and spatial information, amino acid conservation, physicochemical variation, residue mobility, and thermodynamic stability) has been performed at Invitae for this missense variant, however the output from this modeling did not meet the statistical confidence thresholds required to predict the impact of this variant on TRIP11 protein function. In summary, the available evidence is currently insufficient to determine the role of this variant in disease. Therefore, it has been classified as a Variant of Uncertain Significance.

NM_004239.4(TRIP11):c.236A>G (p.Glu79Gly)

Gene: TRIP11 (thyroid hormone receptor interactor 11; minus strand). Cytogenetic location: 14q32.12.
Variant type: single nucleotide variant.
Coding change: c.236A>G on transcript NM_004239.4 (MANE Select); coding-DNA position 236, A replaced by G.
Protein change: p.Glu79Gly; replaces glutamic acid 79 with glycine.
Molecular consequence: missense variant.
Genome position (GRCh38, 1-based): chr14:92,025,386, T>C on the plus strand (A>G on the coding strand, the complement: TRIP11 is on the minus strand). VCF-style: chr14-92025386-T-C. GRCh37 (hg19) VCF-style: chr14-92491730-T-C.
Other names: c.233A>G, p.Glu78Gly (NM_001321851.1); short protein forms E79G, E78G.
Identifiers: ClinVar variation 3712688 (VCV003712688.2).